The following is an entry in ClinVar:

NM_007214.5(SEC63):c.1337C>T (p.Thr446Ile)

Gene: SEC63 (SEC63 protein translocation regulator; minus strand). Cytogenetic location: 6q21.
Variant type: single nucleotide variant.
Coding change: c.1337C>T on transcript NM_007214.5 (MANE Select); coding-DNA position 1337, C replaced by T.
Protein change: p.Thr446Ile; replaces threonine 446 with isoleucine.
Molecular consequence: missense variant.
Genome position (GRCh38, 1-based): chr6:107,901,390, G>A on the plus strand (C>T on the coding strand, the complement: SEC63 is on the minus strand). VCF-style: chr6-107901390-G-A. GRCh37 (hg19) VCF-style: chr6-108222594-G-A.
Other names: short protein forms T446I.
Identifiers: ClinVar variation 1956728 (VCV001956728.5), dbSNP rs1162402889, ClinGen allele CA365181330.

ClinVar aggregate classification (germline): Uncertain significance (1 of 4 stars; one submission).

Allele frequency attached by ClinVar (database versions not stated): gnomAD exomes 0.00001.
gnomAD v4.1: 3 of 1,612,884 alleles (0.00019%); highest among the groups gnomAD compares: Admixed American, 0.005%; no homozygotes.

Submission:

Labcorp Genetics (formerly Invitae), Labcorp
Classification: Uncertain significance. Last evaluated: 2022-12-13. Review status: criteria provided, single submitter. Criteria: Invitae Variant Classification Sherloc (09022015). Collection method: clinical testing. Allele origin: germline.
Comment: Algorithms developed to predict the effect of missense changes on protein structure and function (SIFT, PolyPhen-2, Align-GVGD) all suggest that this variant is likely to be tolerated. This sequence change replaces threonine, which is neutral and polar, with isoleucine, which is neutral and non-polar, at codon 446 of the SEC63 protein (p.Thr446Ile). This variant is present in population databases (no rsID available, gnomAD 0.003%). This variant has not been reported in the literature in individuals affected with SEC63-related conditions. In summary, the available evidence is currently insufficient to determine the role of this variant in disease. Therefore, it has been classified as a Variant of Uncertain Significance.